The following is an entry in ClinVar:

ClinVar aggregate classification (germline): Uncertain significance (1 of 4 stars; one submission).

Conditions:
Cardiovascular phenotype. Identifiers: MedGen CN230736.

Allele frequency attached by ClinVar (database versions not stated): gnomAD exomes below 0.00001; ExAC 0.00001.
gnomAD v4.1: 1 of 1,613,696 alleles (0.000062%); highest among the groups gnomAD compares: Non-Finnish European, 0.000085%; no homozygotes.

Submission:

Ambry Genetics
Classification: Uncertain significance for Cardiovascular phenotype. Last evaluated: 2025-06-18. Review status: criteria provided, single submitter. Criteria: Ambry Variant Classification Scheme 2023. Collection method: clinical testing. Allele origin: germline.
Comment: The p.I663V variant (also known as c.1987A>G), located in coding exon 12 of the LMNA gene, results from an A to G substitution at nucleotide position 1987. The isoleucine at codon 663 is replaced by valine, an amino acid with highly similar properties. This amino acid position is well conserved in available vertebrate species. In addition, the in silico prediction for this alteration is inconclusive. Based on the available evidence, the clinical significance of this variant remains unclear.

NM_170707.4(LMNA):c.1987A>G (p.Ile663Val)

Gene: LMNA (lamin A/C; plus strand). Cytogenetic location: 1q22.
Variant type: single nucleotide variant.
Coding change: c.1987A>G on transcript NM_170707.4 (MANE Select); coding-DNA position 1987, A replaced by G.
Protein change: p.Ile663Val; replaces isoleucine 663 with valine.
Molecular consequence: missense variant.
Genome position (GRCh38, 1-based): chr1:156,139,098, A>G. VCF-style: chr1-156139098-A-G. GRCh37 (hg19) VCF-style: chr1-156108889-A-G.
Other names: c.1651A>G, p.Ile551Val (NM_001257374.3); c.1837A>G, p.Ile613Val (NM_001282626.2); c.1897A>G, p.Ile633Val (NM_170708.4); c.1987A>G (NM_170707.2); short protein forms I613V, I551V, I663V, I633V.
Identifiers: ClinVar variation 4098581 (VCV004098581.1), dbSNP rs781516147.
Genomic context (GRCh38, chr1:156,139,098, plus strand): 5'-GGCCCTGCTGCTCACACCTCTCTCCTCTGTTTTCTCTCTTAGAGCCCCCAGAACTGCAGC[A>G]TCATGTAATCTGGGACCTGCCAGGCAGGGGTGGGGGTGGAGGCTTCCTGCGTCCTCCTCA-3'
Protein context (NP_733821.1, residues 653-664): PRTQSPQNCS[Ile663Val]M